The following is an entry in ClinVar:

NM_001365951.3(KIF1B):c.5238C>T (p.Asn1746=)

Gene: KIF1B (kinesin family member 1B; plus strand). Cytogenetic location: 1p36.22.
Variant type: single nucleotide variant.
Coding change: c.5238C>T on transcript NM_001365951.3 (MANE Select); coding-DNA position 5238, C replaced by T.
Protein change: p.Asn1746=; no amino-acid change (asparagine 1746 retained).
Molecular consequence: synonymous variant.
Genome position (GRCh38, 1-based): chr1:10,374,995, C>T. VCF-style: chr1-10374995-C-T. GRCh37 (hg19) VCF-style: chr1-10435053-C-T.
Other names: c.5238C>T, p.Asn1746= (NM_001365952.1); c.5100C>T, p.Asn1700= (NM_015074.3).
Identifiers: ClinVar variation 291584 (VCV000291584.26), dbSNP rs146436697, ClinGen allele CA582296.

ClinVar aggregate classification (germline): Conflicting classifications of pathogenicity. Review status: criteria provided, conflicting classifications (1 of 4 stars). 6 submissions from 6 submitters: Uncertain significance (1); Likely benign (4). 1 of the submissions does not count toward it. Last evaluated 2026-02-03.

Conditions:
KIF1B-related disorder. Also called: KIF1B-related condition.
Charcot-Marie-Tooth disease type 2. Also called: Charcot-Marie-Tooth type 2. Identifiers: Orphanet 64746, MedGen C0270914, MONDO:0018993.
Neuroblastoma (NB). Identifiers: Orphanet 635, MedGen C0027819, MeSH D009447, MONDO:0005072, HP:0003006.

Allele frequency attached by ClinVar (database versions not stated): gnomAD exomes 0.00007 and 0.00016; gnomAD 0.00009; TOPMed 0.00011; ExAC 0.00014; ESP Exome Variant Server 0.00015.
gnomAD v4.1: 128 of 1,614,038 alleles (0.0079%); highest among the groups gnomAD compares: Admixed American, 0.01%; no homozygotes.

Submissions (6):

Labcorp Genetics (formerly Invitae), Labcorp
Classification: Likely benign for Charcot-Marie-Tooth disease type 2. Last evaluated: 2026-02-03. Review status: criteria provided, single submitter. Criteria: Invitae Variant Classification Sherloc (09022015). Collection method: clinical testing. Allele origin: germline.

CeGaT Center for Human Genetics Tuebingen
Classification: Likely benign. Last evaluated: 2025-12-01. Review status: criteria provided, single submitter. Criteria: CeGaT Center For Human Genetics Tuebingen Variant Classification Criteria Version 2. Collection method: clinical testing. Allele origin: germline. Affected: yes. Observed: 1 variant allele.
Comment: KIF1B: BP4, BP7

Blueprint Genetics
Classification: Likely benign. Last evaluated: 2024-09-30. Review status: criteria provided, single submitter. Criteria: ACMG Guidelines, 2015. Collection method: clinical testing. Allele origin: germline.

Ambry Genetics
Classification: Likely benign. Last evaluated: 2020-08-27. Review status: criteria provided, single submitter. Criteria: Ambry Variant Classification Scheme 2023. Collection method: clinical testing. Allele origin: germline.

Illumina Laboratory Services, Illumina
Classification: Uncertain significance for Neuroblastoma. Last evaluated: 2018-01-12. Review status: criteria provided, single submitter. Criteria: ICSL Variant Classification Criteria 13 December 2019. Collection method: clinical testing. Allele origin: germline.

PreventionGenetics, part of Exact Sciences
Classification: Likely benign for KIF1B-related condition. Last evaluated: 2022-02-14. Review status: no assertion criteria provided. Collection method: clinical testing. Allele origin: germline. Not counted in ClinVar's aggregate classification.
Comment: This variant is classified as likely benign based on ACMG/AMP sequence variant interpretation guidelines (Richards et al. 2015 PMID: 25741868, with internal and published modifications).